The following is an entry in ClinVar:

NM_005188.4(CBL):c.1949A>G (p.Asn650Ser)

Gene: CBL (Cbl proto-oncogene; plus strand). Cytogenetic location: 11q23.3.
Variant type: single nucleotide variant.
Coding change: c.1949A>G on transcript NM_005188.4 (MANE Select); coding-DNA position 1949, A replaced by G.
Protein change: p.Asn650Ser; replaces asparagine 650 with serine.
Molecular consequence: missense variant.
Genome position (GRCh38, 1-based): chr11:119,287,859, A>G. VCF-style: chr11-119287859-A-G. GRCh37 (hg19) VCF-style: chr11-119158569-A-G.
Other names: short protein forms N650S.
Identifiers: ClinVar variation 4613895 (VCV004613895.1).

ClinVar aggregate classification (germline): Uncertain significance (1 of 4 stars; one submission).

Conditions:
Cardiovascular phenotype. Identifiers: MedGen CN230736.

Submission:

Ambry Genetics
Classification: Uncertain significance for Cardiovascular phenotype. Last evaluated: 2025-12-08. Review status: criteria provided, single submitter. Criteria: Ambry Variant Classification Scheme 2023. Collection method: clinical testing. Allele origin: germline.
Comment: The p.N650S variant (also known as c.1949A>G), located in coding exon 12 of the CBL gene, results from an A to G substitution at nucleotide position 1949. The asparagine at codon 650 is replaced by serine, an amino acid with highly similar properties. This amino acid position is conserved. In addition, this alteration is predicted to be tolerated by in silico analysis. Based on the available evidence, the clinical significance of this variant remains unclear.